The following is an entry in ClinVar:

ClinVar aggregate classification (germline): Uncertain significance (1 of 4 stars; one submission).

Conditions:
Deficiency of alpha-mannosidase (MANSA). Also called: LYSOSOMAL ALPHA-D-MANNOSIDASE DEFICIENCY; Mannosidosis, alpha-, types I and II; Alpha-Mannosidosis. Identifiers: Orphanet 61, MedGen C0024748, MONDO:0009561, OMIM 248500.

Submission:

Myriad Genetics, Inc.
Classification: Uncertain significance for Deficiency of alpha-mannosidase. Last evaluated: 2025-10-21. Review status: criteria provided, single submitter. Criteria: Myriad Autosomal Dominant, Autosomal Recessive and X-Linked Classification Criteria (2023). Collection method: clinical testing. Allele origin: unknown.
Comment: NM_000528.3(MAN2B1):c.2471G>A(G824E) is a missense variant classified as a variant of uncertain significance in the context of alpha-mannosidosis. G824E has been observed in a case with relevant disease (PMID: 29859105). Relevant functional assessments of this variant are not available in the literature. G824E has not been observed in referenced population frequency databases. In summary, there is insufficient evidence to classify NM_000528.3(MAN2B1):c.2471G>A(G824E) as pathogenic or benign. Please note: this variant was assessed in the context of healthy population screening.

Literature cited by the submitters: PubMed 29859105.

NM_000528.4(MAN2B1):c.2471G>A (p.Gly824Glu)

Gene: MAN2B1 (mannosidase alpha class 2B member 1; minus strand). Cytogenetic location: 19p13.13.
Variant type: single nucleotide variant.
Coding change: c.2471G>A on transcript NM_000528.4 (MANE Select); coding-DNA position 2471, G replaced by A.
Protein change: p.Gly824Glu; replaces glycine 824 with glutamic acid.
Molecular consequence: missense variant.
Genome position (GRCh38, 1-based): chr19:12,648,368, C>T on the plus strand (G>A on the coding strand, the complement: MAN2B1 is on the minus strand). VCF-style: chr19-12648368-C-T. GRCh37 (hg19) VCF-style: chr19-12759182-C-T.
Other names: c.2468G>A, p.Gly823Glu (NM_001173498.2); c.2474G>A, p.Gly825Glu (NM_001440570.1); short protein forms G823E, G825E, G824E.
Identifiers: ClinVar variation 5003542 (VCV005003542.1).
Genomic context (GRCh38, chr19:12,648,368, plus strand): 5'-ACCAGGTGGCGCCCTCGCACCCACGCCCCCGACCCGTTCTCCATTAGTGGCTCCGATACT[C>T]CGCGTCCATCGTCCTTCAGCAGCCTTCGGTGCACCTGGGGGGAGAGTGGCCAGGAGGGGG-3'
Protein context (NP_000519.2, residues 814-834): HRRLLKDDGR[Gly824Glu]VSEPLMENGS